The following is an entry in ClinVar:

ClinVar aggregate classification (germline): Benign/Likely benign. Review status: criteria provided, multiple submitters, no conflicts (2 of 4 stars). 2 submissions from 2 submitters: Benign (1); Likely benign (1). Last evaluated 2024-03-28.

Conditions:
Hereditary cancer-predisposing syndrome. Also called: Neoplastic Syndromes, Hereditary; Tumor predisposition; Hereditary neoplastic syndrome; Hereditary Cancer Syndrome. Identifiers: Orphanet 140162, MedGen C0027672, MeSH D009386, MONDO:0015356.
Familial adenomatous polyposis 1 (FAP1). Also called: POLYPOSIS, ADENOMATOUS INTESTINAL; FAMILIAL ADENOMATOUS POLYPOSIS 1, ATTENUATED. Identifiers: MedGen C2713442, MONDO:0021056, OMIM 175100. Disease mechanism: loss of function.

Submissions (2):

Myriad Genetics, Inc.
Classification: Benign for Familial adenomatous polyposis 1. Last evaluated: 2024-03-28. Review status: criteria provided, single submitter. Criteria: Myriad Autosomal Dominant, Autosomal Recessive and X-Linked Classification Criteria (2023). Collection method: clinical testing. Allele origin: unknown.
Comment: This variant is considered benign. This variant is a silent/synonymous amino acid change and it is not expected to impact splicing.

Ambry Genetics
Classification: Likely benign for Hereditary cancer-predisposing syndrome. Last evaluated: 2019-08-13. Review status: criteria provided, single submitter. Criteria: Ambry Variant Classification Scheme 2023. Collection method: clinical testing. Allele origin: germline.

NM_000038.6(APC):c.4920G>T (p.Arg1640=)

Gene: APC (APC regulator of Wnt signaling pathway; plus strand). Cytogenetic location: 5q22.2.
Variant type: single nucleotide variant.
Coding change: c.4920G>T on transcript NM_000038.6 (MANE Select); coding-DNA position 4920, G replaced by T.
Protein change: p.Arg1640=; no amino-acid change (arginine 1640 retained).
Molecular consequence: synonymous variant.
Genome position (GRCh38, 1-based): chr5:112,840,514, G>T. VCF-style: chr5-112840514-G-T. GRCh37 (hg19) VCF-style: chr5-112176211-G-T.
Other names: c.4920G>T, p.Arg1640= (NM_001127510.3, NM_001354895.2); c.4866G>T, p.Arg1622= (NM_001127511.3); c.4974G>T, p.Arg1658= (NM_001354896.2); c.4950G>T, p.Arg1650= (NM_001354897.2); c.4845G>T, p.Arg1615= (NM_001354898.2); c.4836G>T, p.Arg1612= (NM_001354899.2); c.4797G>T, p.Arg1599= (NM_001354900.2); c.4743G>T, p.Arg1581= (NM_001354901.2); and 5 more.
Identifiers: ClinVar variation 825292 (VCV000825292.4), dbSNP rs1580654177, ClinGen allele CA446208695.